The following is an entry in ClinVar:

NM_005802.5(TOPORS):c.55C>T (p.Pro19Ser)

Gene: TOPORS (TOP1 binding arginine/serine rich protein, E3 ubiquitin ligase; minus strand). Cytogenetic location: 9p21.1.
Variant type: single nucleotide variant.
Coding change: c.55C>T on transcript NM_005802.5 (MANE Select); coding-DNA position 55, C replaced by T.
Protein change: p.Pro19Ser; replaces proline 19 with serine.
Molecular consequence: missense variant. On other transcripts: intron variant (1).
Genome position (GRCh38, 1-based): chr9:32,550,917, G>A on the plus strand (C>T on the coding strand, the complement: TOPORS is on the minus strand). VCF-style: chr9-32550917-G-A. GRCh37 (hg19) VCF-style: chr9-32550915-G-A.
Other names: c.3+1517C>T (NM_001195622.2); short protein forms P19S.
Identifiers: ClinVar variation 1366123 (VCV001366123.8), dbSNP rs1043611240, ClinGen allele CA192365809.

ClinVar aggregate classification (germline): Uncertain significance (1 of 4 stars; one submission).

Allele frequency attached by ClinVar (database versions not stated): gnomAD exomes below 0.00001; gnomAD 0.00003 and 0.00001; TOPMed 0.00004.
gnomAD v4.1: 7 of 1,612,660 alleles (0.00043%); highest among the groups gnomAD compares: Admixed American, 0.0017%; no homozygotes.

Submission:

Labcorp Genetics (formerly Invitae), Labcorp
Classification: Uncertain significance. Last evaluated: 2025-06-01. Review status: criteria provided, single submitter. Criteria: Invitae Variant Classification Sherloc (09022015). Collection method: clinical testing. Allele origin: germline.
Comment: This sequence change replaces proline, which is neutral and non-polar, with serine, which is neutral and polar, at codon 19 of the TOPORS protein (p.Pro19Ser). This variant is present in population databases (no rsID available, gnomAD 0.001%). This variant has not been reported in the literature in individuals affected with TOPORS-related conditions. ClinVar contains an entry for this variant (Variation ID: 1366123). An algorithm developed to predict the effect of missense changes on protein structure and function (PolyPhen-2) suggests that this variant is likely to be disruptive. In summary, the available evidence is currently insufficient to determine the role of this variant in disease. Therefore, it has been classified as a Variant of Uncertain Significance.